The following is an entry in ClinVar:

NM_001429.4(EP300):c.3226C>T (p.Arg1076Cys)

Gene: EP300 (E1A binding protein p300; plus strand). Cytogenetic location: 22q13.2.
Variant type: single nucleotide variant.
Coding change: c.3226C>T on transcript NM_001429.4 (MANE Select); coding-DNA position 3226, C replaced by T.
Protein change: p.Arg1076Cys; replaces arginine 1076 with cysteine.
Molecular consequence: missense variant.
Genome position (GRCh38, 1-based): chr22:41,155,078, C>T. VCF-style: chr22-41155078-C-T. GRCh37 (hg19) VCF-style: chr22-41551082-C-T.
Other names: c.3148C>T, p.Arg1050Cys (NM_001362843.2); short protein forms R1050C, R1076C.
Identifiers: ClinVar variation 3344231 (VCV003344231.1).

ClinVar aggregate classification (germline): Uncertain significance (0 of 4 stars; one submission).

Conditions:
EP300-related disorder. Also called: EP300-related condition; EP300-related disorders.

gnomAD v4.1: 2 of 1,613,786 alleles (0.00012%); highest among the groups gnomAD compares: Non-Finnish European, 0.00017%; no homozygotes.

Submission:

PreventionGenetics, part of Exact Sciences
Classification: Uncertain significance for EP300-related condition. Last evaluated: 2024-05-31. Review status: no assertion criteria provided. Collection method: clinical testing. Allele origin: germline.
Comment: The EP300 c.3226C>T variant is predicted to result in the amino acid substitution p.Arg1076Cys. To our knowledge, this variant has not been reported in the literature or in a large population database, indicating this variant is rare. At this time, the clinical significance of this variant is uncertain due to the absence of conclusive functional and genetic evidence.